The following is an entry in ClinVar:

NM_015215.4(CAMTA1):c.2431C>T (p.Arg811Trp)

Gene: CAMTA1 (calmodulin binding transcription activator 1; plus strand). Cytogenetic location: 1p36.23.
Variant type: single nucleotide variant.
Coding change: c.2431C>T on transcript NM_015215.4 (MANE Select); coding-DNA position 2431, C replaced by T.
Protein change: p.Arg811Trp; replaces arginine 811 with tryptophan.
Molecular consequence: missense variant.
Genome position (GRCh38, 1-based): chr1:7,664,978, C>T. VCF-style: chr1-7664978-C-T. GRCh37 (hg19) VCF-style: chr1-7725038-C-T.
Other names: c.2341C>T, p.Arg781Trp (NM_001349608.2, NM_001349612.2); c.2431C>T, p.Arg811Trp (NM_001349609.2, NM_001349610.2, NM_001410737.1); c.2359C>T, p.Arg787Trp (NM_001410738.1); short protein forms R781W, R787W, R811W.
Identifiers: ClinVar variation 2629719 (VCV002629719.4), dbSNP rs2095988948, ClinGen allele CA338134819.

ClinVar aggregate classification (germline): Uncertain significance. Review status: criteria provided, multiple submitters, no conflicts (2 of 4 stars). 2 submissions from 2 submitters: Uncertain significance (2). Last evaluated 2025-08-28.

Conditions:
CAMTA1-related disorder. Also called: CAMTA1-related condition.

Allele frequency attached by ClinVar (database versions not stated): TOPMed below 0.00001.
gnomAD v4.1: 5 of 1,610,494 alleles (0.00031%); highest among the groups gnomAD compares: South Asian, 0.0011%; no homozygotes.

Submissions (2):

PreventionGenetics, part of Exact Sciences
Classification: Uncertain significance for CAMTA1-related condition. Last evaluated: 2025-08-28. Review status: criteria provided, single submitter. Criteria: ACMG Guidelines, 2015. Collection method: clinical testing. Allele origin: germline.
Comment: The CAMTA1 c.2431C>T variant is predicted to result in the amino acid substitution p.Arg811Trp. To our knowledge, this variant has not been reported in the literature or in gnomAD, indicating this variant is rare. At this time, the clinical significance of this variant is uncertain due to the absence of conclusive functional and genetic evidence.

Labcorp Genetics (formerly Invitae), Labcorp
Classification: Uncertain significance. Last evaluated: 2024-07-16. Review status: criteria provided, single submitter. Criteria: Invitae Variant Classification Sherloc (09022015). Collection method: clinical testing. Allele origin: germline.
Comment: This sequence change replaces arginine, which is basic and polar, with tryptophan, which is neutral and slightly polar, at codon 811 of the CAMTA1 protein (p.Arg811Trp). This variant is not present in population databases (gnomAD no frequency). This variant has not been reported in the literature in individuals affected with CAMTA1-related conditions. ClinVar contains an entry for this variant (Variation ID: 2629719). An algorithm developed to predict the effect of missense changes on protein structure and function (PolyPhen-2) suggests that this variant is likely to be disruptive. In summary, the available evidence is currently insufficient to determine the role of this variant in disease. Therefore, it has been classified as a Variant of Uncertain Significance.